The following is an entry in ClinVar:

ClinVar aggregate classification (germline): Uncertain significance (1 of 4 stars; one submission).

Conditions:
Hyperammonemic encephalopathy due to carbonic anhydrase VA deficiency. Also called: Carbonic anhydrase VA deficiency, hyperammonemia due to; Carbonic Anhydrase VA Deficiency. Identifiers: Orphanet 401948, MedGen C4706871, MONDO:0014332, OMIM 615751.

Allele frequency attached by ClinVar (database versions not stated): gnomAD exomes below 0.00001; TOPMed below 0.00001.
gnomAD v4.1: 1 of 1,614,168 alleles (0.000062%); highest among the groups gnomAD compares: Admixed American, 0.0017%; no homozygotes.

Submission:

Labcorp Genetics (formerly Invitae), Labcorp
Classification: Uncertain significance for Hyperammonemic encephalopathy due to carbonic anhydrase VA deficiency. Last evaluated: 2021-09-18. Review status: criteria provided, single submitter. Criteria: Invitae Variant Classification Sherloc (09022015). Collection method: clinical testing. Allele origin: germline.
Comment: This sequence change replaces tyrosine with asparagine at codon 100 of the CA5A protein (p.Tyr100Asn). The tyrosine residue is highly conserved and there is a large physicochemical difference between tyrosine and asparagine. This variant is not present in population databases (ExAC no frequency). This variant has not been reported in the literature in individuals affected with CA5A-related conditions. Algorithms developed to predict the effect of missense changes on protein structure and function are either unavailable or do not agree on the potential impact of this missense change (SIFT: "Deleterious"; PolyPhen-2: "Probably Damaging"; Align-GVGD: "Class C0"). In summary, the available evidence is currently insufficient to determine the role of this variant in disease. Therefore, it has been classified as a Variant of Uncertain Significance.

NM_001739.2(CA5A):c.298T>A (p.Tyr100Asn)

Gene: CA5A (carbonic anhydrase 5A; minus strand). Cytogenetic location: 16q24.2.
Variant type: single nucleotide variant.
Coding change: c.298T>A on transcript NM_001739.2 (MANE Select); coding-DNA position 298, T replaced by A.
Protein change: p.Tyr100Asn; replaces tyrosine 100 with asparagine.
Molecular consequence: missense variant. On other transcripts: non-coding transcript variant (2).
Genome position (GRCh38, 1-based): chr16:87,926,790, A>T on the plus strand (T>A on the coding strand, the complement: CA5A is on the minus strand). VCF-style: chr16-87926790-A-T. GRCh37 (hg19) VCF-style: chr16-87960396-A-T.
Other names: c.298T>A, p.Tyr100Asn (NM_001367225.1); short protein forms Y100N.
Identifiers: ClinVar variation 1381964 (VCV001381964.6), dbSNP rs1295048155, ClinGen allele CA397038250.